The following is an entry in ClinVar:

ClinVar aggregate classification (germline): Uncertain significance. Review status: criteria provided, multiple submitters, no conflicts (2 of 4 stars). 2 submissions from 2 submitters: Uncertain significance (2). Last evaluated 2025-03-31.

Conditions:
Aortic aneurysm, familial thoracic 4 (AAT4). Also called: AORTIC ANEURYSM/AORTIC DISSECTION AND PATENT DUCTUS ARTERIOSUS. Identifiers: MedGen C1851504, MONDO:0007568, OMIM 132900.
Familial thoracic aortic aneurysm and aortic dissection (TAAD). Also called: Thoracic aortic aneurysms and dissections. Identifiers: Orphanet 91387, MedGen C4707243, MONDO:0019625.

Submissions (2):

Ambry Genetics
Classification: Uncertain significance for Familial thoracic aortic aneurysm and aortic dissection. Last evaluated: 2025-03-31. Review status: criteria provided, single submitter. Criteria: Ambry Variant Classification Scheme 2023. Collection method: clinical testing. Allele origin: germline.
Comment: The p.S1464A variant (also known as c.4390T>G), located in coding exon 31 of the MYH11 gene, results from a T to G substitution at nucleotide position 4390. The serine at codon 1464 is replaced by alanine, an amino acid with similar properties. This amino acid position is conserved. In addition, the in silico prediction for this alteration is inconclusive. Based on the available evidence, the clinical significance of this variant remains unclear.

Labcorp Genetics (formerly Invitae), Labcorp
Classification: Uncertain significance for Aortic aneurysm, familial thoracic 4. Last evaluated: 2023-06-05. Review status: criteria provided, single submitter. Criteria: Invitae Variant Classification Sherloc (09022015). Collection method: clinical testing. Allele origin: germline.
Comment: In summary, the available evidence is currently insufficient to determine the role of this variant in disease. Therefore, it has been classified as a Variant of Uncertain Significance. An algorithm developed to predict the effect of missense changes on protein structure and function (PolyPhen-2) suggests that this variant is likely to be disruptive. This variant has not been reported in the literature in individuals affected with MYH11-related conditions. This variant is not present in population databases (gnomAD no frequency). This sequence change replaces serine, which is neutral and polar, with alanine, which is neutral and non-polar, at codon 1471 of the MYH11 protein (p.Ser1471Ala).

NM_002474.3(MYH11):c.4390T>G (p.Ser1464Ala)

Genes: MYH11 (myosin heavy chain 11; minus strand), NDE1 (nudE neurodevelopment protein 1; plus strand). Cytogenetic location: 16p13.11.
Variant type: single nucleotide variant.
Coding change: c.4390T>G on transcript NM_002474.3 (MANE Select); coding-DNA position 4390, T replaced by G.
Protein change: p.Ser1464Ala; replaces serine 1464 with alanine.
Molecular consequence: missense variant. On other transcripts: intron variant (2).
Genome position (GRCh38, 1-based): chr16:15,721,610, A>C on the plus strand (T>G on the coding strand, the complement: MYH11 is on the minus strand). VCF-style: chr16-15721610-A-C. GRCh37 (hg19) VCF-style: chr16-15815467-A-C.
Other names: c.4411T>G, p.Ser1471Ala (NM_001040113.2, NM_001040114.2); c.4390T>G, p.Ser1464Ala (NM_022844.3); c.948-2581A>C (NM_001143979.2, NM_017668.3); c.4390T>G (NM_002474.2); short protein forms S1464A, S1471A.
Identifiers: ClinVar variation 2802013 (VCV002802013.4), dbSNP rs2506127185, ClinGen allele CA394855583.